The following is an entry in ClinVar:

NM_025074.7(FRAS1):c.11030T>C (p.Met3677Thr)

Genes: FRAS1 (Fraser extracellular matrix complex subunit 1; plus strand), LOC126807089 (CDK7 strongly-dependent group 2 enhancer GRCh37_chr4:79455131-79456330; plus strand). Cytogenetic location: 4q21.21.
Variant type: single nucleotide variant.
Coding change: c.11030T>C on transcript NM_025074.7 (MANE Select); coding-DNA position 11030, T replaced by C.
Protein change: p.Met3677Thr; replaces methionine 3677 with threonine.
Molecular consequence: missense variant.
Genome position (GRCh38, 1-based): chr4:78,534,553, T>C. VCF-style: chr4-78534553-T-C. GRCh37 (hg19) VCF-style: chr4-79455707-T-C.
Other names: short protein forms M3677T.
Identifiers: ClinVar variation 5008832 (VCV005008832.1).

ClinVar aggregate classification (germline): Uncertain significance (1 of 4 stars; one submission).

gnomAD v4.1: 21 of 1,613,600 alleles (0.0013%); highest among the groups gnomAD compares: South Asian, 0.023%; no homozygotes.

Submission:

GeneDx
Classification: Uncertain significance. Last evaluated: 2026-03-08. Review status: criteria provided, single submitter. Criteria: GeneDx Variant Classification Process June 2021. Collection method: clinical testing. Allele origin: germline.
Comment: In silico analysis supports that this missense variant has a deleterious effect on protein structure/function; Has not been previously published as pathogenic or benign to our knowledge